The following is an entry in ClinVar:

NM_020800.3(IFT80):c.1079C>T (p.Thr360Met)

Genes: TRIM59-IFT80 (TRIM59-IFT80 readthrough (NMD candidate); minus strand), IFT80 (intraflagellar transport 80; minus strand). Cytogenetic location: 3q25.33.
Variant type: single nucleotide variant.
Coding change: c.1079C>T on transcript NM_020800.3 (MANE Select); coding-DNA position 1079, C replaced by T.
Protein change: p.Thr360Met; replaces threonine 360 with methionine.
Molecular consequence: missense variant. On other transcripts: non-coding transcript variant (3).
Genome position (GRCh38, 1-based): chr3:160,303,987, G>A on the plus strand (C>T on the coding strand, the complement: IFT80 is on the minus strand). VCF-style: chr3-160303987-G-A. GRCh37 (hg19) VCF-style: chr3-160021775-G-A.
Other names: c.668C>T, p.Thr223Met (NM_001190241.2, NM_001190242.2); short protein forms T223M, T360M.
Identifiers: ClinVar variation 860524 (VCV000860524.7), dbSNP rs371152741, ClinGen allele CA2685258.
Genomic context (GRCh38, chr3:160,303,987, plus strand): 5'-AGAATCAAACTAACAGTTCCTTCTTTGAGATCAAATATAATTGGTGTGTTCCAGTTCTTC[G>A]TGCTAAAAGACAAGTAAAATGGATATTTATTAACATTTAAAATACCAAATACTTTTAAAT-3'
Protein context (NP_065851.1, residues 350-370): STSLQCYVFS[Thr360Met]KNWNTPIIFD

ClinVar aggregate classification (germline): Uncertain significance (1 of 4 stars; one submission).

Conditions:
Jeune thoracic dystrophy. Also called: Jeune syndrome; Infantile thoracic dystrophy; Thoracic pelvic phalangeal dystrophy; Jeune's syndrome; Chondroectodermal dysplasia-like syndrome; Short-rib thoracic dysplasia. Identifiers: Orphanet 474, MedGen C0265275, MONDO:0018770.

Allele frequency attached by ClinVar (database versions not stated): gnomAD 0.00002; ExAC 0.00003; gnomAD exomes 0.00004; TOPMed 0.00006; ESP Exome Variant Server 0.00008.
gnomAD v4.1: 61 of 1,602,478 alleles (0.0038%); highest among the groups gnomAD compares: Middle Eastern, 0.017%; no homozygotes.

Submission:

Labcorp Genetics (formerly Invitae), Labcorp
Classification: Uncertain significance for Jeune thoracic dystrophy. Last evaluated: 2021-09-01. Review status: criteria provided, single submitter. Criteria: Invitae Variant Classification Sherloc (09022015). Collection method: clinical testing. Allele origin: germline.
Comment: This sequence change replaces threonine with methionine at codon 360 of the IFT80 protein (p.Thr360Met). The threonine residue is moderately conserved and there is a moderate physicochemical difference between threonine and methionine. This variant is present in population databases (rs371152741, ExAC 0.006%). This variant has not been reported in the literature in individuals affected with IFT80-related conditions. Algorithms developed to predict the effect of missense changes on protein structure and function are either unavailable or do not agree on the potential impact of this missense change (SIFT: "Deleterious"; PolyPhen-2: "Possibly Damaging"; Align-GVGD: "Class C0"). In summary, the available evidence is currently insufficient to determine the role of this variant in disease. Therefore, it has been classified as a Variant of Uncertain Significance.